The following is an entry in ClinVar:

ClinVar aggregate classification (germline): Uncertain significance (1 of 4 stars; one submission).

Conditions:
Charcot-Marie-Tooth disease, type I (CMT1). Also called: Charcot-Marie-Tooth, Type 1; Charcot-Marie-Tooth disease type 1. Identifiers: Orphanet 65753, MedGen C0751036, MONDO:0019011.

Submission:

Labcorp Genetics (formerly Invitae), Labcorp
Classification: Uncertain significance for Charcot-Marie-Tooth disease, type I. Last evaluated: 2023-12-22. Review status: criteria provided, single submitter. Criteria: Invitae Variant Classification Sherloc (09022015). Collection method: clinical testing. Allele origin: germline.
Comment: This variant, c.922_927del, results in the deletion of 2 amino acid(s) of the EGR2 protein (p.Ala308_Ala309del), but otherwise preserves the integrity of the reading frame. This variant is present in population databases (rs764794586, gnomAD 0.007%). This variant has not been reported in the literature in individuals affected with EGR2-related conditions. Experimental studies and prediction algorithms are not available or were not evaluated, and the functional significance of this variant is currently unknown. In summary, the available evidence is currently insufficient to determine the role of this variant in disease. Therefore, it has been classified as a Variant of Uncertain Significance.

NM_000399.5(EGR2):c.910GCC[4] (p.Ala308_Ala309del)

Gene: EGR2 (early growth response 2; minus strand). Cytogenetic location: 10q21.3.
Variant type: Microsatellite.
Coding change: c.910GCC[4] on transcript NM_000399.5 (MANE Select); four copies in a row of the 3-base unit GCC starting at c.910; the reference has six copies in a row; two copies, 6 bases deleted.
Protein change: p.Ala308_Ala309del.
Molecular consequence: inframe deletion.
Genome position (GRCh38, 1-based): chr10:62,813,711-62,813,716, GGCGGC deleted on the plus strand (GCCGCC on the coding strand, the reverse complement: EGR2 is on the minus strand); deleting any 6 consecutive bases within chr10:62,813,711-62,813,728 gives the same sequence; the position shown is the placement nearest the transcript's 3' end. VCF-style (leftmost placement, unchanged base first): chr10-62813710-AGGCGGC-A. GRCh37 (hg19) VCF-style: chr10-64573470-AGGCGGC-A.
Other names: c.910GCC[4], p.Ala308_Ala309del (NM_001136177.3, NM_001136178.2); c.760GCC[4], p.Ala258_Ala259del (NM_001136179.3, NM_001321037.2); c.949GCC[4], p.Ala321_Ala322del (NM_001410931.1).
Identifiers: ClinVar variation 2957573 (VCV002957573.3), dbSNP rs753747037, ClinGen allele CA5517196.
Genomic context (GRCh38, chr10:62,813,710, plus strand): 5'-GTCTGTTGGGGTACTTGCGAGGCCTCAGAATGGGCCGCAGTGGCAGGTGGTGTGGGTTAT[AGGCGGC>A]GGCGGCGGCGGCTGCTGCTGCTGCTGAGCTGCTACCAGGCAGCCGGGGTCCCTCGCTGCC-3'